The following is an entry in ClinVar:

ClinVar aggregate classification (germline): Uncertain significance (1 of 4 stars; one submission).

Conditions:
Alagille syndrome due to a NOTCH2 point mutation. Also called: Alagille syndrome 2. Identifiers: Orphanet 261629, Orphanet 52, MedGen C1857761, MONDO:0012439, OMIM 610205.

Allele frequency attached by ClinVar (database versions not stated): gnomAD exomes below 0.00001.
gnomAD v4.1: 3 of 1,614,132 alleles (0.00019%); highest among the groups gnomAD compares: Middle Eastern, 0.016%; no homozygotes.

Submission:

Neuberg Centre For Genomic Medicine, NCGM
Classification: Uncertain significance for Alagille syndrome due to a NOTCH2 point mutation. Last evaluated: 2023-02-14. Review status: criteria provided, single submitter. Criteria: ACMG Guidelines, 2015. Collection method: clinical testing. Allele origin: germline. Inheritance: Autosomal dominant inheritance. Affected: yes.
Comment: The missense c.3302C>T(p.Pro1101Leu) variant in NOTCH2 gene has not been reported previously as a pathogenic variant nor as a benign variant, to our knowledge. The p.Pro1101Leu variant is novel (not in any individuals) in gnomAD Exomes and 1000 Genomes. This variant has not been reported to the ClinVar database. The amino acid change p.Pro1101Leu in NOTCH2 is predicted as conserved by GERP++ and PhyloP across 100 vertebrates. The amino acid Pro at position 1101 is changed to a Leu changing protein sequence and it might alter its composition and physico-chemical properties. For these reasons, this variant has been classified as Variant of Uncertain Significance (VUS).

NM_024408.4(NOTCH2):c.3302C>T (p.Pro1101Leu)

Gene: NOTCH2 (notch receptor 2; minus strand). Cytogenetic location: 1p12.
Variant type: single nucleotide variant.
Coding change: c.3302C>T on transcript NM_024408.4 (MANE Select); coding-DNA position 3302, C replaced by T.
Protein change: p.Pro1101Leu; replaces proline 1101 with leucine.
Molecular consequence: missense variant.
Genome position (GRCh38, 1-based): chr1:119,937,892, G>A on the plus strand (C>T on the coding strand, the complement: NOTCH2 is on the minus strand). VCF-style: chr1-119937892-G-A. GRCh37 (hg19) VCF-style: chr1-120480515-G-A.
Other names: c.3302C>T, p.Pro1101Leu (NM_001200001.2); short protein forms P1101L.
Identifiers: ClinVar variation 2664920 (VCV002664920.1), dbSNP rs1553195968, ClinGen allele CA341852633.